The following is an entry in ClinVar:

NM_002047.4(GARS1):c.1962C>T (p.Ile654=)

Gene: GARS1 (glycyl-tRNA synthetase 1; plus strand). Cytogenetic location: 7p14.3.
Variant type: single nucleotide variant.
Coding change: c.1962C>T on transcript NM_002047.4 (MANE Select); coding-DNA position 1962, C replaced by T.
Protein change: p.Ile654=; no amino-acid change (isoleucine 654 retained).
Molecular consequence: synonymous variant.
Genome position (GRCh38, 1-based): chr7:30,632,305, C>T. VCF-style: chr7-30632305-C-T. GRCh37 (hg19) VCF-style: chr7-30671921-C-T.
Other names: p.Ile654=; c.1962C>T (LRG_243t1, NM_002047.3); c.1800C>T, p.Ile600= (NM_001316772.1).
Identifiers: ClinVar variation 219915 (VCV000219915.59), dbSNP rs201927627, ClinGen allele CA348795.

ClinVar aggregate classification (germline): Benign/Likely benign. Review status: criteria provided, multiple submitters, no conflicts (2 of 4 stars). 13 submissions from 11 submitters: Benign (6); Likely benign (7). Last evaluated 2026-08-01.

Conditions:
GARS1-related disorder. Also called: GARS1-related condition.
Distal spinal muscular atrophy. Also called: Distal hereditary motor neuropathy; Distal hereditary motor neuronopathy. Identifiers: Orphanet 53739, MedGen C0393541, MONDO:0018894.
Charcot-Marie-Tooth disease type 2. Also called: Charcot-Marie-Tooth type 2. Identifiers: Orphanet 64746, MedGen C0270914, MONDO:0018993.
Charcot-Marie-Tooth disease type 2D (CMT2D). Also called: CHARCOT-MARIE-TOOTH DISEASE, AXONAL, TYPE 2D; Charcot-Marie-Tooth Neuropathy Type 2D; CHARCOT-MARIE-TOOTH DISEASE, NEURONAL, TYPE 2D; GARS1 Adolescent- or Early Adult-Onset Hereditary Motor/Sensory Neuropathy (GARS1-HMSN). Identifiers: Orphanet 99938, MedGen C1832274, MONDO:0011091, OMIM 601472.
Neuronopathy, distal hereditary motor, type 5A (HMND5). Also called: DHMN VA; Distal Spinal Muscular Atrophy V; NEURONOPATHY, DISTAL HEREDITARY MOTOR, AUTOSOMAL DOMINANT 5; Distal Spinal Muscular Atrophy V (dSMA-V). Identifiers: Orphanet 139536, MedGen CN031873, MONDO:0015353, OMIM 600794.
Charcot-Marie-Tooth disease. Also called: Charcot-Marie-Tooth Neuropathy; Charcot-Marie-Tooth Hereditary Neuropathy. Identifiers: Orphanet 166, MedGen C0007959, MONDO:0015626.

Allele frequency attached by ClinVar (database versions not stated): gnomAD 0.00120 and 0.00125; TOPMed 0.00137; ExAC 0.00152; ESP Exome Variant Server 0.00155; gnomAD exomes 0.00174 and 0.00178; 1000 Genomes Project 0.00180; 1000 Genomes Project 30x 0.00203.
gnomAD v4.1: 2,798 of 1,614,132 alleles (0.17%); highest among the groups gnomAD compares: Non-Finnish European, 0.19%; 7 homozygotes.

Submissions (13):

CeGaT Center for Human Genetics Tuebingen
Classification: Likely benign. Last evaluated: 2026-08-01. Review status: criteria provided, single submitter. Criteria: CeGaT Center For Human Genetics Tuebingen Variant Classification Criteria Version 2. Collection method: clinical testing. Allele origin: germline. Affected: yes. Observed: 22 variant alleles.
Comment: GARS1: BP4, BP7

Labcorp Genetics (formerly Invitae), Labcorp
Classification: Benign for Charcot-Marie-Tooth disease type 2. Last evaluated: 2026-02-01. Review status: criteria provided, single submitter. Criteria: Invitae Variant Classification Sherloc (09022015). Collection method: clinical testing. Allele origin: germline.

PreventionGenetics, part of Exact Sciences
Classification: Benign for GARS1-related condition. Last evaluated: 2025-03-31. Review status: criteria provided, single submitter. Criteria: ACMG Guidelines, 2015. Collection method: clinical testing. Allele origin: germline.
Comment: This variant is classified as benign based on ACMG/AMP sequence variant interpretation guidelines (Richards et al. 2015 PMID: 25741868, with internal and published modifications).

Blueprint Genetics
Classification: Likely benign. Last evaluated: 2024-11-26. Review status: criteria provided, single submitter. Criteria: ACMG Guidelines, 2015. Collection method: clinical testing. Allele origin: germline.

Athena Diagnostics
Classification: Benign. Last evaluated: 2024-04-30. Review status: criteria provided, single submitter. Criteria: Athena Diagnostics Criteria. Collection method: clinical testing. Allele origin: unknown.

GeneDx
Classification: Likely benign. Last evaluated: 2021-03-15. Review status: criteria provided, single submitter. Criteria: GeneDx Variant Classification Process June 2021. Collection method: clinical testing. Allele origin: germline. Affected: yes.

Ambry Genetics
Classification: Likely benign. Last evaluated: 2019-07-11. Review status: criteria provided, single submitter. Criteria: Ambry Variant Classification Scheme 2023. Collection method: clinical testing. Allele origin: germline.

Illumina Laboratory Services, Illumina
Classification: Benign for Distal Spinal Muscular Atrophy. Last evaluated: 2018-01-13. Review status: criteria provided, single submitter. Criteria: ICSL Variant Classification Criteria 13 December 2019. Collection method: clinical testing. Allele origin: germline.
Comment: This variant was observed in the ICSL laboratory as part of a predisposition screen in an ostensibly healthy population. It had not been previously curated by ICSL or reported in the Human Gene Mutation Database (HGMD: prior to June 1st, 2018), and was therefore a candidate for classification through an automated scoring system. Utilizing variant allele frequency, disease prevalence and penetrance estimates, and inheritance mode, an automated score was calculated to assess if this variant is too frequent to cause the disease. Based on the score and internal cut-off values, a variant classified as benign is not then subjected to further curation. The score for this variant resulted in a classification of benign for this disease.

Illumina Laboratory Services, Illumina
Classification: Benign for Distal hereditary motor neuronopathy type 5. Last evaluated: 2018-01-13. Review status: criteria provided, single submitter. Criteria: ICSL Variant Classification Criteria 13 December 2019. Collection method: clinical testing. Allele origin: germline.
Comment: the same text as in the submission from Illumina Laboratory Services, Illumina above.

Illumina Laboratory Services, Illumina
Classification: Likely benign for Charcot-Marie-Tooth disease type 2D. Last evaluated: 2018-01-13. Review status: criteria provided, single submitter. Criteria: ICSL Variant Classification Criteria 13 December 2019. Collection method: clinical testing. Allele origin: germline.
Comment: This variant was observed in the ICSL laboratory as part of a predisposition screen in an ostensibly healthy population. It had not been previously curated by ICSL or reported in the Human Gene Mutation Database (HGMD: prior to June 1st, 2018), and was therefore a candidate for classification through an automated scoring system. Utilizing variant allele frequency, disease prevalence and penetrance estimates, and inheritance mode, an automated score was calculated to assess if this variant is too frequent to cause the disease. Based on the score and internal cut-off values, a variant classified as likely benign is not then subjected to further curation. The score for this variant resulted in a classification of likely benign for this disease.

Mayo Clinic Laboratories, Mayo Clinic
Classification: Benign. Last evaluated: 2016-05-19. Review status: criteria provided, single submitter. Criteria: ACMG Guidelines, 2015. Collection method: clinical testing. Allele origin: germline. Observed: 4 variant alleles.

Breakthrough Genomics
Classification: Likely benign. Review status: criteria provided, single submitter. Criteria: ACMG Guidelines, 2015. Collection method: not provided. Allele origin: germline. Inheritance: Autosomal dominant inheritance. Affected: yes.

Molecular Genetics Laboratory, London Health Sciences Centre
Classification: Likely benign for Charcot-Marie-Tooth disease. Review status: criteria provided, single submitter. Criteria: ACMG Guidelines, 2015. Collection method: clinical testing. Allele origin: germline. Affected: yes.